The following is an entry in ClinVar:

NM_006755.2(TALDO1):c.669C>G (p.Tyr223Ter)

Genes: TALDO1 (transaldolase 1; plus strand), LOC126861110 (CDK7 strongly-dependent group 2 enhancer GRCh37_chr11:762588-763787; plus strand). Cytogenetic location: 11p15.5.
Variant type: single nucleotide variant.
Coding change: c.669C>G on transcript NM_006755.2 (MANE Select); coding-DNA position 669, C replaced by G.
Protein change: p.Tyr223Ter; replaces tyrosine 223 with a stop codon.
Molecular consequence: nonsense.
Genome position (GRCh38, 1-based): chr11:763,778, C>G. VCF-style: chr11-763778-C-G. GRCh37 (hg19) VCF-style: chr11-763778-C-G.
Other names: TALDO1, TYR223TER; short protein forms Y223*.
Identifiers: ClinVar variation 974772 (VCV000974772.1), dbSNP rs1448870204, ClinGen allele CA378936782.

ClinVar aggregate classification (germline): Pathogenic (0 of 4 stars; one submission).

Conditions:
Deficiency of transaldolase. Also called: EYAID SYNDROME. Identifiers: Orphanet 101028, MedGen C1291329, MONDO:0011624, OMIM 606003.

Submission:

OMIM
Classification: Pathogenic for TRANSALDOLASE DEFICIENCY. Last evaluated: 2020-06-02. Review status: no assertion criteria provided. Collection method: literature only. Allele origin: germline.

Literature cited by the submitters: PubMed 26238251.